The following is an entry in ClinVar:

NM_014714.4(IFT140):c.758G>A (p.Arg253Gln)

Genes: IFT140 (intraflagellar transport 140; minus strand), LOC105371046 (uncharacterized LOC105371046; plus strand). Cytogenetic location: 16p13.3.
Variant type: single nucleotide variant.
Coding change: c.758G>A on transcript NM_014714.4 (MANE Select); coding-DNA position 758, G replaced by A.
Protein change: p.Arg253Gln; replaces arginine 253 with glutamine.
Molecular consequence: missense variant.
Genome position (GRCh38, 1-based): chr16:1,589,657, C>T on the plus strand (G>A on the coding strand, the complement: IFT140 is on the minus strand). VCF-style: chr16-1589657-C-T. GRCh37 (hg19) VCF-style: chr16-1639658-C-T.
Other names: short protein forms R253Q.
Identifiers: ClinVar variation 282935 (VCV000282935.47), dbSNP rs141993139, ClinGen allele CA7814585.
Genomic context (GRCh38, chr16:1,589,657, plus strand): 5'-CCACTCACCTTCATCACTTCTTCTGCTTTGCCCTCAGGAGGCACCGTGTACAGGGACAGC[C>T]GGAGGTTCTCTGTGACCACCACCAGTGCCTCCCTCTTCTCCATGTAGAACAGCATCTGAA-3'
Protein context (NP_055529.2, residues 243-263): EALVVVTENL[Arg253Gln]LSLYTVPPEG

ClinVar aggregate classification (germline): Conflicting classifications of pathogenicity. Review status: criteria provided, conflicting classifications (1 of 4 stars). 8 submissions from 8 submitters: Uncertain significance (1); Benign (1); Likely benign (3). 3 of the submissions do not count toward it. Last evaluated 2026-04-01.

Conditions:
IFT140-related disorder. Also called: IFT140-related condition.
Saldino-Mainzer syndrome (SRTD9). Also called: SHORT-RIB THORACIC DYSPLASIA 9 WITHOUT POLYDACTYLY; CONORENAL SYNDROME; Renal dysplasia, retinal pigmentary dystrophy, cerebellar ataxia and skeletal dysplasia; short-rib thoracic dysplasia 9 with or without polydactyly. Identifiers: Orphanet 140969, MedGen C1849437, MONDO:0009964, OMIM 266920.

Allele frequency attached by ClinVar (database versions not stated): 1000 Genomes Project 30x 0.00016; 1000 Genomes Project 0.00020; gnomAD 0.00080 and 0.00081; ExAC 0.00082; TOPMed 0.00085; gnomAD exomes 0.00088; ESP Exome Variant Server 0.00108.
gnomAD v4.1: 2,029 of 1,614,134 alleles (0.13%); highest among the groups gnomAD compares: Non-Finnish European, 0.15%; 5 homozygotes.

Submissions (8):

CeGaT Center for Human Genetics Tuebingen
Classification: Likely benign. Last evaluated: 2026-04-01. Review status: criteria provided, single submitter. Criteria: CeGaT Center For Human Genetics Tuebingen Variant Classification Criteria Version 2. Collection method: clinical testing. Allele origin: germline. Affected: yes. Observed: 2 variant alleles.
Comment: IFT140: BP4, BS1

Labcorp Genetics (formerly Invitae), Labcorp
Classification: Benign for Saldino-Mainzer syndrome. Last evaluated: 2026-01-20. Review status: criteria provided, single submitter. Criteria: Invitae Variant Classification Sherloc (09022015). Collection method: clinical testing. Allele origin: germline.

Blueprint Genetics
Classification: Likely benign. Last evaluated: 2024-11-06. Review status: criteria provided, single submitter. Criteria: ACMG Guidelines, 2015. Collection method: clinical testing. Allele origin: germline.

Illumina Laboratory Services, Illumina
Classification: Uncertain significance for Saldino-Mainzer syndrome. Last evaluated: 2018-01-13. Review status: criteria provided, single submitter. Criteria: ICSL Variant Classification Criteria 13 December 2019. Collection method: clinical testing. Allele origin: germline.

Eurofins Ntd Llc (ga)
Classification: Likely benign. Last evaluated: 2015-09-24. Review status: criteria provided, single submitter. Criteria: EGL Classification Definitions 2015. Collection method: clinical testing. Allele origin: germline. Observed: 1 variant allele, 1 heterozygote.

PreventionGenetics, part of Exact Sciences
Classification: Likely benign for IFT140-related condition. Last evaluated: 2022-05-13. Review status: no assertion criteria provided. Collection method: clinical testing. Allele origin: germline. Not counted in ClinVar's aggregate classification.
Comment: This variant is classified as likely benign based on ACMG/AMP sequence variant interpretation guidelines (Richards et al. 2015 PMID: 25741868, with internal and published modifications).

Clinical Genetics DNA and cytogenetics Diagnostics Lab, Erasmus MC, Erasmus Medical Center
Classification: Likely benign. Review status: no assertion criteria provided. Collection method: clinical testing. Allele origin: germline. Affected: yes. Study: VKGL Data-share Consensus. Not counted in ClinVar's aggregate classification.

Clinical Genetics, Academic Medical Center
Classification: Likely benign. Review status: no assertion criteria provided. Collection method: clinical testing. Allele origin: germline. Affected: yes. Study: VKGL Data-share Consensus. Not counted in ClinVar's aggregate classification.